The following is an entry in ClinVar:

ClinVar aggregate classification (germline): Uncertain significance (1 of 4 stars; one submission).

Conditions:
Moyamoya disease 2 (MYMY2). Also called: MOYAMOYA DISEASE 2, SUSCEPTIBILITY TO. Identifiers: Orphanet 2573, MedGen C1846689, MONDO:0011784, OMIM 607151.

Allele frequency attached by ClinVar (database versions not stated): gnomAD exomes below 0.00001; ExAC 0.00001; TOPMed 0.00001.

Submission:

Center for Genomics, Ann and Robert H. Lurie Children's Hospital of Chicago
Classification: Uncertain significance for Moyamoya disease 2. Last evaluated: 2022-07-26. Review status: criteria provided, single submitter. Criteria: ACMG Guidelines, 2015. Collection method: clinical testing. Allele origin: germline.
Comment: RNF213 NM_001256071.2 exon 44 p.Val4008Ile (c.12022G>A): This variant has not been reported in the literature and it is not present in large control databases. E volutionary conservation and computational predictive tools for this variant are unclear. In summary, data on this variant is insufficient for disease classification. Therefore, the clinical significance of this variant is uncertain.

NM_001256071.3(RNF213):c.12022G>A (p.Val4008Ile)

Genes: RNF213 (ring finger protein 213; plus strand), RNF213-AS1 (RNF213 antisense RNA 1; minus strand). Cytogenetic location: 17q25.3.
Variant type: single nucleotide variant.
Coding change: c.12022G>A on transcript NM_001256071.3 (MANE Select); coding-DNA position 12022, G replaced by A.
Protein change: p.Val4008Ile; replaces valine 4008 with isoleucine.
Molecular consequence: missense variant.
Genome position (GRCh38, 1-based): chr17:80,368,010, G>A. VCF-style: chr17-80368010-G-A. GRCh37 (hg19) VCF-style: chr17-78341810-G-A.
Other names: short protein forms V4008I.
Identifiers: ClinVar variation 1675121 (VCV001675121.2), dbSNP rs762259446, ClinGen allele CA8822060.